The following is an entry in ClinVar:

NM_001194998.2(CEP152):c.4368G>A (p.Leu1456=)

Gene: CEP152 (centrosomal protein 152; minus strand). Cytogenetic location: 15q21.1.
Variant type: single nucleotide variant.
Coding change: c.4368G>A on transcript NM_001194998.2 (MANE Select); coding-DNA position 4368, G replaced by A.
Protein change: p.Leu1456=; no amino-acid change (leucine 1456 retained).
Molecular consequence: synonymous variant.
Genome position (GRCh38, 1-based): chr15:48,739,014, C>T on the plus strand (G>A on the coding strand, the complement: CEP152 is on the minus strand). VCF-style: chr15-48739014-C-T. GRCh37 (hg19) VCF-style: chr15-49031211-C-T.
Other names: c.4200G>A, p.Leu1400= (NM_014985.4).
Identifiers: ClinVar variation 1959276 (VCV001959276.25), dbSNP rs377560589, ClinGen allele CA7548109.

ClinVar aggregate classification (germline): Likely benign. Review status: criteria provided, multiple submitters, no conflicts (2 of 4 stars). 2 submissions from 2 submitters: Likely benign (2). Last evaluated 2024-04-01.

Allele frequency attached by ClinVar (database versions not stated): ExAC 0.00002; gnomAD 0.00002; gnomAD exomes 0.00002; TOPMed 0.00003; ESP Exome Variant Server 0.00008.
gnomAD v4.1: 27 of 1,613,988 alleles (0.0017%); highest among the groups gnomAD compares: Non-Finnish European, 0.0019%; no homozygotes.

Submissions (2):

CeGaT Center for Human Genetics Tuebingen
Classification: Likely benign. Last evaluated: 2024-04-01. Review status: criteria provided, single submitter. Criteria: CeGaT Center For Human Genetics Tuebingen Variant Classification Criteria Version 2. Collection method: clinical testing. Allele origin: germline. Affected: yes. Observed: 1 variant allele.
Comment: CEP152: BP4, BP7

Labcorp Genetics (formerly Invitae), Labcorp
Classification: Likely benign. Last evaluated: 2024-03-16. Review status: criteria provided, single submitter. Criteria: Invitae Variant Classification Sherloc (09022015). Collection method: clinical testing. Allele origin: germline.